The following is an entry in ClinVar:

ClinVar aggregate classification (germline): Conflicting classifications of pathogenicity. Review status: criteria provided, conflicting classifications (1 of 4 stars). 3 submissions from 3 submitters: Uncertain significance (1); Likely benign (2). Last evaluated 2026-01-28.

Conditions:
Inborn genetic diseases. Identifiers: MedGen C0950123, MeSH D030342.

Allele frequency attached by ClinVar (database versions not stated): gnomAD exomes 0.00020 and 0.00040; ExAC 0.00042; 1000 Genomes Project 30x 0.00109; 1000 Genomes Project 0.00120; gnomAD 0.00001 and 0.00013; TOPMed 0.00001.
gnomAD v4.1: 316 of 1,606,626 alleles (0.02%); highest among the groups gnomAD compares: South Asian, 0.33%; 3 homozygotes.

Submissions (3):

Labcorp Genetics (formerly Invitae), Labcorp
Classification: Likely benign. Last evaluated: 2026-01-28. Review status: criteria provided, single submitter. Criteria: Invitae Variant Classification Sherloc (09022015). Collection method: clinical testing. Allele origin: germline.

Ambry Genetics
Classification: Uncertain significance for Inborn genetic diseases. Last evaluated: 2024-09-11. Review status: criteria provided, single submitter. Criteria: Ambry Variant Classification Scheme 2023. Collection method: clinical testing. Allele origin: germline.

Women's Health and Genetics/Laboratory Corporation of America, LabCorp
Classification: Likely benign. Last evaluated: 2022-07-21. Review status: criteria provided, single submitter. Criteria: LabCorp Variant Classification Summary - May 2015. Collection method: clinical testing. Allele origin: germline.
Comment: Variant summary: CCDC8 c.167C>T (p.Ala56Val) results in a non-conservative amino acid change in the encoded protein sequence. Three of five in-silico tools predict a damaging effect of the variant on protein function. The variant allele was found at a frequency of 0.0004 in 244450 control chromosomes, predominantly at a frequency of 0.0032 within the South Asian subpopulation in the gnomAD database, including 1 homozygote. The observed variant frequency within South Asian control individuals in the gnomAD database is approximately 3 fold of the estimated maximal expected allele frequency for a pathogenic variant in CCDC8 causing Three M Syndrome 3 phenotype (0.0011), strongly suggesting that the variant is a benign polymorphism found primarily in populations of South Asian origin. To our knowledge, no occurrence of c.167C>T in individuals affected with Three M Syndrome 3 and no experimental evidence demonstrating its impact on protein function have been reported. One clinical diagnostic laboratory has submitted clinical-significance assessments for this variant to ClinVar after 2014 and classified the variant as likely benign. Based on the evidence outlined above, the variant was classified as likely benign.

NM_032040.5(CCDC8):c.167C>T (p.Ala56Val)

Gene: CCDC8 (coiled-coil domain containing 8 subunit of 3M complex; minus strand). Cytogenetic location: 19q13.32.
Variant type: single nucleotide variant.
Coding change: c.167C>T on transcript NM_032040.5 (MANE Select); coding-DNA position 167, C replaced by T.
Protein change: p.Ala56Val; replaces alanine 56 with valine.
Molecular consequence: missense variant.
Genome position (GRCh38, 1-based): chr19:46,412,644, G>A on the plus strand (C>T on the coding strand, the complement: CCDC8 is on the minus strand). VCF-style: chr19-46412644-G-A. GRCh37 (hg19) VCF-style: chr19-46915901-G-A.
Other names: c.167C>T (NM_032040.3); short protein forms A56V.
Identifiers: ClinVar variation 723465 (VCV000723465.7), dbSNP rs567845896, ClinGen allele CA9528767.